The following is an entry in ClinVar:

NM_005689.4(ABCB6):c.994T>C (p.Phe332Leu)

Gene: ABCB6 (ATP binding cassette subfamily B member 6 (LAN blood group); minus strand). Cytogenetic location: 2q35.
Variant type: single nucleotide variant.
Coding change: c.994T>C on transcript NM_005689.4 (MANE Select); coding-DNA position 994, T replaced by C.
Protein change: p.Phe332Leu; replaces phenylalanine 332 with leucine.
Molecular consequence: missense variant.
Genome position (GRCh38, 1-based): chr2:219,216,157, A>G on the plus strand (T>C on the coding strand, the complement: ABCB6 is on the minus strand). VCF-style: chr2-219216157-A-G. GRCh37 (hg19) VCF-style: chr2-220080879-A-G.
Other names: c.856T>C, p.Phe286Leu (NM_001349828.2); short protein forms F286L, F332L.
Identifiers: ClinVar variation 2765011 (VCV002765011.3), dbSNP rs138423826, ClinGen allele CA2119555.

ClinVar aggregate classification (germline): Uncertain significance (1 of 4 stars; one submission).

Allele frequency attached by ClinVar (database versions not stated): gnomAD exomes 0.00003; ESP Exome Variant Server 0.00015; ExAC 0.00019; 1000 Genomes Project 30x 0.00062; gnomAD 0.00039; 1000 Genomes Project 0.00060; TOPMed 0.00044.
gnomAD v4.1: 107 of 1,595,492 alleles (0.0067%); highest among the groups gnomAD compares: African/African-American, 0.12%; no homozygotes.

Submission:

Labcorp Genetics (formerly Invitae), Labcorp
Classification: Uncertain significance. Last evaluated: 2025-11-10. Review status: criteria provided, single submitter. Criteria: Invitae Variant Classification Sherloc (09022015). Collection method: clinical testing. Allele origin: germline.
Comment: This sequence change replaces phenylalanine, which is neutral and non-polar, with leucine, which is neutral and non-polar, at codon 332 of the ABCB6 protein (p.Phe332Leu). This variant is present in population databases (rs138423826, gnomAD 0.1%), and has an allele count higher than expected for a pathogenic variant. This variant has not been reported in the literature in individuals affected with ABCB6-related conditions. ClinVar contains an entry for this variant (Variation ID: 2765011). An algorithm developed to predict the effect of missense changes on protein structure and function (PolyPhen-2) suggests that this variant is likely to be tolerated. In summary, the available evidence is currently insufficient to determine the role of this variant in disease. Therefore, it has been classified as a Variant of Uncertain Significance.